The following is an entry in ClinVar:

NM_005359.6(SMAD4):c.250-14G>A

Gene: SMAD4 (SMAD family member 4; plus strand). Cytogenetic location: 18q21.2.
Variant type: single nucleotide variant.
Coding change: c.250-14G>A on transcript NM_005359.6 (MANE Select); 14 bases into the intron before coding-DNA position 250, G replaced by A.
Molecular consequence: intron variant.
Genome position (GRCh38, 1-based): chr18:51,048,672, G>A. VCF-style: chr18-51048672-G-A. GRCh37 (hg19) VCF-style: chr18-48575042-G-A.
Identifiers: ClinVar variation 492476 (VCV000492476.14), dbSNP rs1180310843, ClinGen allele CA629586910.

ClinVar aggregate classification (germline): Likely benign. Review status: criteria provided, multiple submitters, no conflicts (2 of 4 stars). 4 submissions from 4 submitters: Likely benign (4). Last evaluated 2026-01-11.

Conditions:
Hereditary cancer-predisposing syndrome. Also called: Hereditary neoplastic syndrome; Tumor predisposition; Neoplastic Syndromes, Hereditary; Hereditary Cancer Syndrome. Identifiers: Orphanet 140162, MedGen C0027672, MeSH D009386, MONDO:0015356.
Juvenile polyposis syndrome (JPS). Identifiers: Orphanet 2929, MedGen C0345893, MONDO:0017380, OMIM 174900.
Juvenile polyposis/hereditary hemorrhagic telangiectasia syndrome (JPHT). Also called: Juvenile Polyposis Syndrome / Hereditary Hemorrhagic Telangiectasia (JPS/HHT); JP/HHT SYNDROME; JUVENILE POLYPOSIS WITH HEREDITARY HEMORRHAGIC TELANGIECTASIA; POLYPOSIS, GENERALIZED JUVENILE, WITH PULMONARY ARTERIOVENOUS MALFORMATION; TELANGIECTASIA, HEREDITARY HEMORRHAGIC, WITH JUVENILE POLYPOSIS COLI. Identifiers: Orphanet 2929, MedGen C1832942, MONDO:0008278, OMIM 175050.

Allele frequency attached by ClinVar (database versions not stated): gnomAD exomes below 0.00001 and 0.00001; gnomAD 0.00001; TOPMed 0.00003.
gnomAD v4.1: 19 of 1,609,310 alleles (0.0012%); highest among the groups gnomAD compares: Non-Finnish European, 0.0014%; no homozygotes.

Submissions (4):

Labcorp Genetics (formerly Invitae), Labcorp
Classification: Likely benign for Juvenile polyposis syndrome. Last evaluated: 2026-01-11. Review status: criteria provided, single submitter. Criteria: Invitae Variant Classification Sherloc (09022015). Collection method: clinical testing. Allele origin: germline.

Myriad Genetics, Inc.
Classification: Likely benign for Juvenile polyposis/hereditary hemorrhagic telangiectasia syndrome. Last evaluated: 2025-03-18. Review status: criteria provided, single submitter. Criteria: Myriad Autosomal Dominant, Autosomal Recessive and X-Linked Classification Criteria (2023). Collection method: clinical testing. Allele origin: unknown.
Comment: This variant is considered likely benign. This variant is intronic and is not expected to impact mRNA splicing.

All of Us Research Program, National Institutes of Health
Classification: Likely benign for Juvenile polyposis/hereditary hemorrhagic telangiectasia syndrome. Last evaluated: 2024-07-29. Review status: criteria provided, single submitter. Criteria: ACMG Guidelines, 2015. Collection method: clinical testing. Allele origin: germline. Inheritance: Autosomal dominant inheritance. Observed: 4 variant alleles, 4 heterozygotes.
Comment: This study involves interpretation of variants in research participants for the purpose of population health screening. Participant phenotype was not available at the time of variant classification. Additional details can be found in publication PMID: 35346344, PMCID: PMC8962531

Color Diagnostics, LLC DBA Color Health
Classification: Likely benign for Hereditary cancer-predisposing syndrome. Last evaluated: 2016-03-17. Review status: criteria provided, single submitter. Criteria: ACMG Guidelines, 2015. Collection method: clinical testing. Allele origin: germline.